The following is an entry in ClinVar:

NM_182961.4(SYNE1):c.9814G>C (p.Val3272Leu)

Gene: SYNE1 (spectrin repeat containing nuclear envelope protein 1; minus strand). Cytogenetic location: 6q25.2.
Variant type: single nucleotide variant.
Coding change: c.9814G>C on transcript NM_182961.4 (MANE Select); coding-DNA position 9814, G replaced by C.
Protein change: p.Val3272Leu; replaces valine 3272 with leucine.
Molecular consequence: missense variant.
Genome position (GRCh38, 1-based): chr6:152,367,376, C>G on the plus strand (G>C on the coding strand, the complement: SYNE1 is on the minus strand). VCF-style: chr6-152367376-C-G. GRCh37 (hg19) VCF-style: chr6-152688511-C-G.
Other names: c.9835G>C, p.Val3279Leu (NM_033071.5); c.9814G>C (NM_182961.2); short protein forms V3272L, V3279L.
Identifiers: ClinVar variation 1216153 (VCV001216153.13), dbSNP rs368607560, ClinGen allele CA4057178.
Genomic context (GRCh38, chr6:152,367,376, plus strand): 5'-ATTCTTTAATCCCAAGAGAGAACTGATTGTGTTCTGCAACGATTCTATCCAGTCTTGACA[C>G]TTTCTCCTGGAAATGACAGAAATGGTTTTCGAGCTGTCCATCCCACAGAGACAAACTGCA-3'
Protein context (NP_892006.3, residues 3262-3282): LALSNLTKEK[Val3272Leu]SRLDRIVAEH

ClinVar aggregate classification (germline): Uncertain significance. Review status: criteria provided, multiple submitters, no conflicts (2 of 4 stars). 6 submissions from 6 submitters: Uncertain significance (6). Last evaluated 2026-05-01.

Conditions:
Emery-Dreifuss muscular dystrophy 4, autosomal dominant (EDMD4). Also called: EMERY-DREIFUSS MUSCULAR DYSTROPHY 4 WITH VARIABLE FEATURES. Identifiers: Orphanet 261, MedGen C2751807, MONDO:0013071, OMIM 612998.
Autosomal recessive ataxia, Beauce type. Also called: Spinocerebellar ataxia, autosomal recessive 8; SYNE1 Deficiency; ATAXIA, RECESSIVE, OF BEAUCE; SYNE1-Related Autosomal Recessive Cerebellar Ataxia. Identifiers: Orphanet 88644, MedGen C1853116, MONDO:0012549, OMIM 610743.
Arthrogryposis multiplex congenita 3, myogenic type. Also called: ARTHROGRYPOSIS MULTIPLEX CONGENITA, MYOGENIC TYPE. Identifiers: MedGen C5193121, MONDO:0032778, OMIM 618484.

Allele frequency attached by ClinVar (database versions not stated): ExAC 0.00002; gnomAD exomes 0.00002 and 0.00007; gnomAD 0.00004 and 0.00005; TOPMed 0.00005; ESP Exome Variant Server 0.00008.
gnomAD v4.1: 113 of 1,613,956 alleles (0.007%); highest among the groups gnomAD compares: Non-Finnish European, 0.0092%; no homozygotes.

Submissions (6):

CeGaT Center for Human Genetics Tuebingen
Classification: Uncertain significance. Last evaluated: 2026-05-01. Review status: criteria provided, single submitter. Criteria: CeGaT Center For Human Genetics Tuebingen Variant Classification Criteria Version 2. Collection method: clinical testing. Allele origin: germline. Affected: yes. Observed: 1 variant allele.

Women's Health and Genetics/Laboratory Corporation of America, LabCorp
Classification: Uncertain significance. Last evaluated: 2026-04-06. Review status: criteria provided, single submitter. Criteria: LabCorp Variant Classification Summary - May 2015. Collection method: clinical testing. Allele origin: germline.
Comment: Variant summary: SYNE1 c.9835G>C (p.Val3279Leu) results in a conservative amino acid change in the encoded protein sequence. Algorithms developed to predict the effect of missense changes on protein structure and function are either unavailable or do not agree on the potential impact of this missense change. The variant allele was found at a frequency of 2e-05 in 251352 control chromosomes. The available data on variant occurrences in the general population are insufficient to allow any conclusion about variant significance. To our knowledge, no occurrence of c.9835G>C in individuals affected with SYNE1-related conditions and no experimental evidence demonstrating its impact on protein function have been reported. ClinVar contains an entry for this variant (Variation ID: 1216153). Based on the evidence outlined above, the variant was classified as uncertain significance.

GeneDx
Classification: Uncertain significance. Last evaluated: 2026-02-06. Review status: criteria provided, single submitter. Criteria: GeneDx Variant Classification Process June 2021. Collection method: clinical testing. Allele origin: germline. Affected: yes.
Comment: In silico analysis supports that this missense variant does not alter protein structure/function; Has not been previously published as pathogenic or benign to our knowledge

Athena Diagnostics
Classification: Uncertain significance. Last evaluated: 2025-02-05. Review status: criteria provided, single submitter. Criteria: Athena Diagnostics Criteria. Collection method: clinical testing. Allele origin: unknown.
Comment: Available data are insufficient to determine the clinical significance of the variant at this time. The frequency of this variant in the general population is uninformative in assessment of its pathogenicity. Polyphen and MutationTaster predict this amino acid change may be benign.

Fulgent Genetics
Classification: Uncertain significance for Autosomal recessive ataxia, Beauce type; Emery-Dreifuss muscular dystrophy 4, autosomal dominant; Arthrogryposis multiplex congenita 3, myogenic type. Last evaluated: 2021-09-01. Review status: criteria provided, single submitter. Criteria: ACMG Guidelines, 2015. Collection method: clinical testing. Allele origin: unknown.

Revvity Omics, Revvity
Classification: Uncertain significance. Last evaluated: 2021-03-29. Review status: criteria provided, single submitter. Criteria: ACMG Guidelines, 2015. Collection method: clinical testing. Allele origin: germline.